The following is an entry in ClinVar:

ClinVar aggregate classification (germline): Uncertain significance (1 of 4 stars; one submission).

Conditions:
TREX1-related disorder. Also called: TREX1-related disorders; TREX1-related condition. Identifiers: MedGen CN239414.

gnomAD v4.1: 12 of 1,614,026 alleles (0.00074%); highest among the groups gnomAD compares: East Asian, 0.0067%; no homozygotes.

Submission:

PreventionGenetics, part of Exact Sciences
Classification: Uncertain significance for TREX1-related condition. Last evaluated: 2022-09-18. Review status: criteria provided, single submitter. Criteria: ACMG Guidelines, 2015. Collection method: clinical testing. Allele origin: germline.
Comment: The TREX1 c.155C>T variant is predicted to result in the amino acid substitution p.Thr52Met. To our knowledge, this variant has not been reported in the literature. This variant is reported in 0.016% of alleles in individuals of East Asian descent in gnomAD. At this time, the clinical significance of this variant is uncertain due to the absence of conclusive functional and genetic evidence.

NM_033629.6(TREX1):c.-11C>T

Genes: ATRIP (ATR interacting protein; plus strand), ATRIP-TREX1 (ATRIP-TREX1 readthrough; plus strand), TREX1 (three prime repair exonuclease 1; plus strand). Cytogenetic location: 3p21.31.
Variant type: single nucleotide variant.
Coding change: c.-11C>T on transcript NM_033629.6 (MANE Select); 11 bases upstream of the start codon, C replaced by T.
Molecular consequence: 5 prime UTR variant. On other transcripts: non-coding transcript variant (1), 3 prime UTR variant (4), intron variant (1).
Genome position (GRCh38, 1-based): chr3:48,466,645, C>T. VCF-style: chr3-48466645-C-T. GRCh37 (hg19) VCF-style: chr3-48508044-C-T.
Other names: NM_016381.5:c.155C>T; c.*1091C>T (NM_001271022.2, NM_001271023.2, NM_032166.4 and 1 more transcripts); c.-18-23C>T (NM_007248.5).
Identifiers: ClinVar variation 2636633 (VCV002636633.1), dbSNP rs771725714, ClinGen allele CA2376537.